The following is an entry in ClinVar:

NM_015338.6(ASXL1):c.1157T>C (p.Leu386Ser)

Gene: ASXL1 (ASXL transcriptional regulator 1; plus strand). Cytogenetic location: 20q11.21.
Variant type: single nucleotide variant.
Coding change: c.1157T>C on transcript NM_015338.6 (MANE Select); coding-DNA position 1157, T replaced by C.
Protein change: p.Leu386Ser; replaces leucine 386 with serine.
Molecular consequence: missense variant.
Genome position (GRCh38, 1-based): chr20:32,433,355, T>C. VCF-style: chr20-32433355-T-C. GRCh37 (hg19) VCF-style: chr20-31021158-T-C.
Other names: c.974T>C, p.Leu325Ser (NM_001363734.1); short protein forms L325S, L386S.
Identifiers: ClinVar variation 3954965 (VCV003954965.1).

ClinVar aggregate classification (germline): Uncertain significance (1 of 4 stars; one submission).

Conditions:
Inborn genetic diseases. Identifiers: MedGen C0950123, MeSH D030342.

Submission:

Ambry Genetics
Classification: Uncertain significance for Inborn genetic diseases. Last evaluated: 2025-03-19. Review status: criteria provided, single submitter. Criteria: Ambry Variant Classification Scheme 2023. Collection method: clinical testing. Allele origin: germline.
Comment: The p.L386S variant (also known as c.1157T>C), located in coding exon 12 of the ASXL1 gene, results from a T to C substitution at nucleotide position 1157. The leucine at codon 386 is replaced by serine, an amino acid with dissimilar properties. This amino acid position is conserved. In addition, this alteration is predicted to be tolerated by in silico analysis. Based on the available evidence, the clinical significance of this variant remains unclear.